The following is an entry in ClinVar:

NM_006261.5(PROP1):c.343-11C>G

Gene: PROP1 (PROP paired-like homeobox 1; minus strand). Cytogenetic location: 5q35.3.
Variant type: single nucleotide variant.
Coding change: c.343-11C>G on transcript NM_006261.5 (MANE Select); 11 bases into the intron before coding-DNA position 343, C replaced by G.
Molecular consequence: intron variant.
Genome position (GRCh38, 1-based): chr5:177,993,058, G>C on the plus strand (C>G on the coding strand, the complement: PROP1 is on the minus strand). VCF-style: chr5-177993058-G-C. GRCh37 (hg19) VCF-style: chr5-177420059-G-C.
Identifiers: ClinVar variation 4812874 (VCV004812874.1).
Genomic context (GRCh38, chr5:177,993,058, plus strand): 5'-AGTGAGCGCTCTTGCTTCCGTTGCTTAGCTCTGCGGTTCTGGAACCAGACCTGAGAAGGG[G>C]TAGGAACCACATCAGAGCCCACACTTGACATAGGTGGTGACACCCTACTCCAATGACAAG-3'

ClinVar aggregate classification (germline): Likely pathogenic (1 of 4 stars; one submission).

Conditions:
Pituitary hormone deficiency.

gnomAD v4.1: 2 of 1,609,626 alleles (0.00012%); highest among the groups gnomAD compares: South Asian, 0.0011%; no homozygotes.

Submission:

Cambridge Genomics Laboratory, East Genomic Laboratory Hub, NHS Genomic Medicine Service
Classification: Likely pathogenic for Pituitary hormone deficiency. Last evaluated: 2024-02-05. Review status: criteria provided, single submitter. Criteria: ACGS Best Practice Guidelines for Variant Classification in Rare Disease 2020. Collection method: clinical testing. Allele origin: germline. Affected: yes.
Comment: The c.343-11C>G variant is observed in 1/29.720 (0.0034%) alleles from individuals of gnomAD South Asian background in gnomAD All. The c.343-11C>G variant is novel (not in any individuals) in 1kG All. The c.343-11C>G variant is novel (not in any individuals) in gnomAD Genomes v3 All. (PM2 - Moderate) | Functional studies demonstrate that this variant has a damaging effect on the gene or gene product (PS3_Moderate - Moderate) | The variant is observed in trans (in a compound heterozygous state) with another pathogenic variant. (PM3_Supporting - Supporting)